The following is an entry in ClinVar:

NM_020207.7(ERCC6L2):c.422G>C (p.Gly141Ala)

Gene: ERCC6L2 (ERCC excision repair 6 like 2; plus strand). Cytogenetic location: 9q22.32.
Variant type: single nucleotide variant.
Coding change: c.422G>C on transcript NM_020207.7 (MANE Select); coding-DNA position 422, G replaced by C.
Protein change: p.Gly141Ala; replaces glycine 141 with alanine.
Molecular consequence: missense variant. On other transcripts: non-coding transcript variant (1).
Genome position (GRCh38, 1-based): chr9:95,881,244, G>C. VCF-style: chr9-95881244-G-C. GRCh37 (hg19) VCF-style: chr9-98643526-G-C.
Other names: c.422G>C, p.Gly141Ala (NM_001010895.4, NM_001375291.1, NM_001375292.1 and 2 more transcripts); short protein forms G141A.
Identifiers: ClinVar variation 4250570 (VCV004250570.1).
Genomic context (GRCh38, chr9:95,881,244, plus strand): 5'-GGTATTTGAGAGACTACCAAAGAGAAGGAACCCGGTTTCTTTATGGACACTACATCCATG[G>C]AGGAGGGTGCATTCTGGGTGATGACATGGGACTTGGAAAAACAGTACAGGTATTTAATTA-3'
Protein context (NP_064592.3, residues 131-151): TRFLYGHYIH[Gly141Ala]GGCILGDDMG

ClinVar aggregate classification (germline): Uncertain significance (1 of 4 stars; one submission).

Conditions:
Inborn genetic diseases. Identifiers: MedGen C0950123, MeSH D030342.

Submission:

Ambry Genetics
Classification: Uncertain significance for Inborn genetic diseases. Last evaluated: 2025-07-06. Review status: criteria provided, single submitter. Criteria: Ambry Variant Classification Scheme 2023. Collection method: clinical testing. Allele origin: germline.
Comment: The p.G141A variant (also known as c.422G>C), located in coding exon 2 of the ERCC6L2 gene, results from a G to C substitution at nucleotide position 422. The glycine at codon 141 is replaced by alanine, an amino acid with similar properties. This amino acid position is conserved. In addition, the in silico prediction for this alteration is inconclusive. Based on the available evidence, the clinical significance of this variant remains unclear.